The following is an entry in ClinVar:

NM_015311.3(OBSL1):c.82G>C (p.Glu28Gln)

Gene: OBSL1 (obscurin like cytoskeletal adaptor 1; minus strand). Cytogenetic location: 2q35.
Variant type: single nucleotide variant.
Coding change: c.82G>C on transcript NM_015311.3 (MANE Select); coding-DNA position 82, G replaced by C.
Protein change: p.Glu28Gln; replaces glutamic acid 28 with glutamine.
Molecular consequence: missense variant.
Genome position (GRCh38, 1-based): chr2:219,571,151, C>G on the plus strand (G>C on the coding strand, the complement: OBSL1 is on the minus strand). VCF-style: chr2-219571151-C-G. GRCh37 (hg19) VCF-style: chr2-220435873-C-G.
Other names: c.82G>C, p.Glu28Gln (NM_001173408.2, NM_001173431.2); short protein forms E28Q.
Identifiers: ClinVar variation 334538 (VCV000334538.6), dbSNP rs555031073, ClinGen allele CA10612531.

ClinVar aggregate classification (germline): Uncertain significance. Review status: criteria provided, multiple submitters, no conflicts (2 of 4 stars). 2 submissions from 2 submitters: Uncertain significance (2). Last evaluated 2026-06-23.

Conditions:
3M syndrome 2. Also called: THREE M SYNDROME 2; 3-M Syndrome, OBSL1-Related. Identifiers: Orphanet 2616, MedGen C2752041, MONDO:0013039, OMIM 612921.

Allele frequency attached by ClinVar (database versions not stated): TOPMed 0.00005.
gnomAD v4.1: 29 of 1,487,624 alleles (0.0019%); highest among the groups gnomAD compares: Non-Finnish European, 0.0025%; no homozygotes.

Submissions (2):

Greenwood Genetic Center Diagnostic Laboratories, Greenwood Genetic Center
Classification: Uncertain significance. Last evaluated: 2026-06-23. Review status: criteria provided, single submitter. Criteria: ACMG Guidelines, 2015. Collection method: clinical testing. Allele origin: germline.
Comment: PM2, BP4

Illumina Laboratory Services, Illumina
Classification: Uncertain significance for 3M syndrome 2. Last evaluated: 2018-01-13. Review status: criteria provided, single submitter. Criteria: ICSL Variant Classification Criteria 13 December 2019. Collection method: clinical testing. Allele origin: germline.